The following is an entry in ClinVar:

ClinVar aggregate classification (germline): Uncertain significance. Review status: criteria provided, single submitter (1 of 4 stars). 2 submissions from 2 submitters: Uncertain significance (1). 1 of the submissions does not count toward it. Last evaluated 2024-12-11.

Conditions:
Hereditary nonpolyposis colorectal neoplasms. Identifiers: MedGen C0009405, MeSH D003123.
Carcinoma of colon (CRC). Also called: Colon carcinoma; Colonic carcinoma. Identifiers: MedGen C0699790, MONDO:0002032.

Submissions (2):

Labcorp Genetics (formerly Invitae), Labcorp
Classification: Uncertain significance for Hereditary nonpolyposis colorectal neoplasms. Last evaluated: 2024-12-11. Review status: criteria provided, single submitter. Criteria: Invitae Variant Classification Sherloc (09022015). Collection method: clinical testing. Allele origin: germline.
Comment: This sequence change replaces serine, which is neutral and polar, with proline, which is neutral and non-polar, at codon 666 of the MSH6 protein (p.Ser666Pro). This variant is not present in population databases (gnomAD no frequency). This missense change has been observed in individual(s) with clinical features of MSH6-related conditions (PMID: 17854147). ClinVar contains an entry for this variant (Variation ID: 89236). Invitae Evidence Modeling of protein sequence and biophysical properties (such as structural, functional, and spatial information, amino acid conservation, physicochemical variation, residue mobility, and thermodynamic stability) indicates that this missense variant is not expected to disrupt MSH6 protein function with a negative predictive value of 95%. Experimental studies have shown that this missense change does not substantially affect MSH6 function (PMID: 28531214). In summary, the available evidence is currently insufficient to determine the role of this variant in disease. Therefore, it has been classified as a Variant of Uncertain Significance.

Department of Pathology and Laboratory Medicine, Sinai Health System
Classification: Uncertain significance for Carcinoma of colon. Review status: no assertion criteria provided. Collection method: clinical testing. Allele origin: unknown. Affected: yes. Study: The Canadian Open Genetics Repository (COGR). Not counted in ClinVar's aggregate classification.
Comment: The MSH6 p.Ser666Pro variant was not identified in the literature nor was it identified in the UMD-LSDB database. The variant was identified in dbSNP (rs587779222) as â€šÃ„Ãºwith uncertain significance alleleâ€šÃ„Ã¹ and ClinVar (classified as uncertain significance by an INSiGHT expert panel in 2013). The variant was not identified in the following control databases: the Exome Aggregation Consortium (August 8th 2016) or the Genome Aggregation Database (Feb 27, 2017). Introduction of the variant into mouse embryonic stem cells did not alter MMR activity (Houlleberghs 2017). The p.Ser666 residue is conserved in mammals and computational analyses (PolyPhen-2, SIFT, AlignGVGD, BLOSUM, MutationTaster) provide inconsistent predictions regarding the impact to the protein; this information is not very predictive of pathogenicity. The variant occurs outside of the splicing consensus sequence and in silico or computational prediction software programs (SpliceSiteFinder, MaxEntScan, NNSPLICE, GeneSplicer) do not predict a difference in splicing. In summary, based on the above information, the clinical significance of this variant cannot be determined with certainty at this time. This variant is classified as a variant of uncertain significance.

Literature cited by the submitters: PubMed 17854147 (cited by Labcorp Genetics (formerly Invitae), Labcorp); PubMed 28531214 (cited by Labcorp Genetics (formerly Invitae), Labcorp).

NM_000179.3(MSH6):c.1996T>C (p.Ser666Pro)

Gene: MSH6 (mutS homolog 6; plus strand). Cytogenetic location: 2p16.3.
Variant type: single nucleotide variant.
Coding change: c.1996T>C on transcript NM_000179.3 (MANE Select); coding-DNA position 1996, T replaced by C.
Protein change: p.Ser666Pro; replaces serine 666 with proline.
Molecular consequence: missense variant.
Genome position (GRCh38, 1-based): chr2:47,799,979, T>C. VCF-style: chr2-47799979-T-C. GRCh37 (hg19) VCF-style: chr2-48027118-T-C.
Other names: c.1606T>C, p.Ser536Pro (NM_001281492.2); c.1090T>C, p.Ser364Pro (NM_001281493.2, NM_001281494.2); short protein forms S666P, S364P, S536P.
Identifiers: ClinVar variation 89236 (VCV000089236.5), dbSNP rs587779222, ClinGen allele CA009527.